The following is an entry in ClinVar:

ClinVar aggregate classification (germline): Conflicting classifications of pathogenicity. Review status: criteria provided, conflicting classifications (1 of 4 stars). 3 submissions from 3 submitters: Pathogenic (1); Uncertain significance (1). 1 of the submissions does not count toward it. Last evaluated 2025-12-23.

Conditions:
RYR1-related disorder. Also called: RYR1-related disorders; RYR1-related condition. Identifiers: MedGen CN239331.

Submissions (3):

Labcorp Genetics (formerly Invitae), Labcorp
Classification: Pathogenic for RYR1-related disorder. Last evaluated: 2025-12-23. Review status: criteria provided, single submitter. Criteria: Invitae Variant Classification Sherloc (09022015). Collection method: clinical testing. Allele origin: germline.
Comment: This sequence change creates a premature translational stop signal (p.Asp60Ilefs*58) in the RYR1 gene. It is expected to result in an absent or disrupted protein product. Loss-of-function variants in RYR1 are known to be pathogenic (PMID: 23919265, 25960145, 28818389, 30611313). This variant is not present in population databases (gnomAD no frequency). This variant has not been reported in the literature in individuals affected with RYR1-related conditions. ClinVar contains an entry for this variant (Variation ID: 631813). For these reasons, this variant has been classified as Pathogenic.

Revvity Omics, Revvity
Classification: Uncertain significance. Last evaluated: 2023-12-06. Review status: criteria provided, single submitter. Criteria: ACMG Guidelines, 2015. Collection method: clinical testing. Allele origin: germline.

PreventionGenetics, part of Exact Sciences
Classification: Likely pathogenic for RYR1-related condition. Last evaluated: 2024-06-28. Review status: no assertion criteria provided. Collection method: clinical testing. Allele origin: germline. Not counted in ClinVar's aggregate classification.
Comment: The RYR1 c.177delC variant is predicted to result in a frameshift and premature protein termination (p.Asp60Ilefs*58). To our knowledge, this variant has not been reported in the literature or in a large population database, indicating this variant is rare. Frameshift variants in RYR1 are expected to be pathogenic. This variant is interpreted as likely pathogenic for autosomal recessive RYR1-related disorders.

Literature cited by the submitters: PubMed 23919265 (cited by Labcorp Genetics (formerly Invitae), Labcorp); PubMed 25960145 (cited by Labcorp Genetics (formerly Invitae), Labcorp); PubMed 28818389 (cited by Labcorp Genetics (formerly Invitae), Labcorp); PubMed 30611313 (cited by Labcorp Genetics (formerly Invitae), Labcorp).

NM_000540.3(RYR1):c.177del (p.Asp60fs)

Gene: RYR1 (ryanodine receptor 1; plus strand). Cytogenetic location: 19q13.2.
Variant type: Deletion.
Coding change: c.177del on transcript NM_000540.3 (MANE Select); coding-DNA position 177, one base deleted (C; older notation c.177delC).
Protein change: p.Asp60fs; shifts the reading frame from aspartic acid 60.
Molecular consequence: frameshift variant.
Genome position (GRCh38, 1-based): chr19:38,442,360, C deleted; the last of 6 consecutive C bases (chr19:38,442,355-38,442,360); deleting any one gives the same sequence. VCF-style (leftmost placement, unchanged base first): chr19-38442354-GC-G. GRCh37 (hg19) VCF-style: chr19-38932994-GC-G.
Other names: c.177del, p.Asp60fs (NM_001042723.2); short protein forms D60fs.
Identifiers: ClinVar variation 631813 (VCV000631813.9), dbSNP rs756326114, ClinGen allele CA645604709.
Genomic context (GRCh38, chr19:38,442,354, plus strand): 5'-TTGCTGGGGTGGGGGGGTCTTCTGACCCCTCACTTACATCCCCCTCCCACCCCAGAATGT[GC>G]CCCCCGATCTGGCCATCTGTTGCTTCGTCCTGGAGCAGTCCCTGTCTGTGCGAGCCCTGC-3'